The following is an entry in ClinVar:

NM_000350.3(ABCA4):c.5715-3T>C

Gene: ABCA4 (ATP binding cassette subfamily A member 4; minus strand). Cytogenetic location: 1p22.1.
Variant type: single nucleotide variant.
Coding change: c.5715-3T>C on transcript NM_000350.3 (MANE Select); 3 bases into the intron before coding-DNA position 5715, T replaced by C.
Molecular consequence: intron variant.
Genome position (GRCh38, 1-based): chr1:94,008,874, A>G on the plus strand (T>C on the coding strand, the complement: ABCA4 is on the minus strand). VCF-style: chr1-94008874-A-G. GRCh37 (hg19) VCF-style: chr1-94474430-A-G.
Other names: c.5493-3T>C (NM_001425324.1).
Identifiers: ClinVar variation 4701096 (VCV004701096.1).
Genomic context (GRCh38, chr1:94,008,874, plus strand): 5'-TTCTTCAGCCACATCATCATCTTCATCAACAATGGGCTCCTTAGTGGGCTCGGCAATCCT[A>G]GATGAAGAAAAGGGGTCAGGATTGGGCTGGCTGTACAGTGTCCTTGGCACTGTCCTTTCC-3'

ClinVar aggregate classification (germline): Uncertain significance (1 of 4 stars; one submission).

Submission:

Labcorp Genetics (formerly Invitae), Labcorp
Classification: Uncertain significance. Last evaluated: 2025-04-03. Review status: criteria provided, single submitter. Criteria: Invitae Variant Classification Sherloc (09022015). Collection method: clinical testing. Allele origin: germline.
Comment: This sequence change falls in intron 40 of the ABCA4 gene. It does not directly change the encoded amino acid sequence of the ABCA4 protein. It affects a nucleotide within the consensus splice site. This variant is not present in population databases (gnomAD no frequency). This variant has not been reported in the literature in individuals affected with ABCA4-related conditions. Variants that disrupt the consensus splice site are a relatively common cause of aberrant splicing (PMID: 17576681, 9536098). Algorithms developed to predict the effect of sequence changes on RNA splicing suggest that this variant is not likely to affect RNA splicing. In summary, the available evidence is currently insufficient to determine the role of this variant in disease. Therefore, it has been classified as a Variant of Uncertain Significance.

Literature cited by the submitters: PubMed 17576681; PubMed 9536098.